The following is an entry in ClinVar:

NM_001330288.2(SMARCC2):c.803G>A (p.Arg268His)

Gene: SMARCC2 (SWI/SNF related BAF chromatin remodeling complex subunit C2; minus strand). Cytogenetic location: 12q13.2.
Variant type: single nucleotide variant.
Coding change: c.803G>A on transcript NM_001330288.2 (MANE Select); coding-DNA position 803, G replaced by A.
Protein change: p.Arg268His; replaces arginine 268 with histidine.
Molecular consequence: missense variant.
Genome position (GRCh38, 1-based): chr12:56,181,741, C>T on the plus strand (G>A on the coding strand, the complement: SMARCC2 is on the minus strand). VCF-style: chr12-56181741-C-T. GRCh37 (hg19) VCF-style: chr12-56575525-C-T.
Other names: c.803G>A, p.Arg268His (NM_001130420.3, NM_003075.5, NM_139067.4); short protein forms R268H.
Identifiers: ClinVar variation 2682506 (VCV002682506.1), dbSNP rs1450322706, ClinGen allele CA385353657.

ClinVar aggregate classification (germline): Uncertain significance (1 of 4 stars; one submission).

Allele frequency attached by ClinVar (database versions not stated): gnomAD exomes below 0.00001; gnomAD 0.00001.
gnomAD v4.1: 9 of 1,613,988 alleles (0.00056%); highest among the groups gnomAD compares: South Asian, 0.0044%; no homozygotes.

Submission:

Women's Health and Genetics/Laboratory Corporation of America, LabCorp
Classification: Uncertain significance. Last evaluated: 2023-11-14. Review status: criteria provided, single submitter. Criteria: LabCorp Variant Classification Summary - May 2015. Collection method: clinical testing. Allele origin: germline.
Comment: Variant summary: SMARCC2 c.803G>A (p.Arg268His) results in a non-conservative amino acid change in the encoded protein sequence. Three of five in-silico tools predict a damaging effect of the variant on protein function. The variant allele was found at a frequency of 8e-06 in 251490 control chromosomes. The available data on variant occurrences in the general population are insufficient to allow any conclusion about variant significance. To our knowledge, no occurrence of c.803G>A in individuals affected with Coffin-Siris Syndrome 8 and no experimental evidence demonstrating its impact on protein function have been reported. No submitters have cited clinical-significance assessments for this variant to ClinVar after 2014. Based on the evidence outlined above, the variant was classified as uncertain significance.